The following is an entry in ClinVar:

NM_001711.6(BGN):c.811G>A (p.Gly271Arg)

Gene: BGN (biglycan; plus strand). Cytogenetic location: Xq28.
Variant type: single nucleotide variant.
Coding change: c.811G>A on transcript NM_001711.6 (MANE Select); coding-DNA position 811, G replaced by A.
Protein change: p.Gly271Arg; replaces glycine 271 with arginine.
Molecular consequence: missense variant.
Genome position (GRCh38, 1-based): chrX:153,507,087, G>A. VCF-style: chrX-153507087-G-A. GRCh37 (hg19) VCF-style: chrX-152772545-G-A.
Other names: c.811G>A (NM_001711.4); short protein forms G271R.
Identifiers: ClinVar variation 2905449 (VCV002905449.4), dbSNP rs1372988403, ClinGen allele CA415071393.

ClinVar aggregate classification (germline): Uncertain significance. Review status: criteria provided, multiple submitters, no conflicts (2 of 4 stars). 2 submissions from 2 submitters: Uncertain significance (2). Last evaluated 2025-11-11.

Conditions:
Cardiovascular phenotype. Identifiers: MedGen CN230736.

Allele frequency attached by ClinVar (database versions not stated): gnomAD 0.00002; TOPMed 0.00001; gnomAD exomes 0.00002.
gnomAD v4.1: 18 of 1,207,254 alleles (0.0015%); highest among the groups gnomAD compares: South Asian, 0.0053%; no homozygotes.

Submissions (2):

Labcorp Genetics (formerly Invitae), Labcorp
Classification: Uncertain significance. Last evaluated: 2025-11-11. Review status: criteria provided, single submitter. Criteria: Invitae Variant Classification Sherloc (09022015). Collection method: clinical testing. Allele origin: germline.
Comment: This sequence change replaces glycine, which is neutral and non-polar, with arginine, which is basic and polar, at codon 271 of the BGN protein (p.Gly271Arg). The frequency data for this variant in the population databases is considered unreliable, as metrics indicate poor data quality at this position in the gnomAD database. This variant has not been reported in the literature in individuals affected with BGN-related conditions. ClinVar contains an entry for this variant (Variation ID: 2905449). Invitae Evidence Modeling of protein sequence and biophysical properties (such as structural, functional, and spatial information, amino acid conservation, physicochemical variation, residue mobility, and thermodynamic stability) indicates that this missense variant is not expected to disrupt BGN protein function with a negative predictive value of 80%. In summary, the available evidence is currently insufficient to determine the role of this variant in disease. Therefore, it has been classified as a Variant of Uncertain Significance.

Ambry Genetics
Classification: Uncertain significance for Cardiovascular phenotype. Last evaluated: 2025-11-08. Review status: criteria provided, single submitter. Criteria: Ambry Variant Classification Scheme 2023. Collection method: clinical testing. Allele origin: germline.